The following is an entry in ClinVar:

ClinVar aggregate classification (germline): Conflicting classifications of pathogenicity. Review status: criteria provided, conflicting classifications (1 of 4 stars). 2 submissions from 2 submitters: Uncertain significance (1); Benign (1). Last evaluated 2026-07-20.

Conditions:
Cardiovascular phenotype. Identifiers: MedGen CN230736.
Hereditary hemorrhagic telangiectasia (HHT). Also called: ORW DISEASE; Osler Weber Rendu syndrome; OSLER-RENDU-WEBER DISEASE; Osler hemorrhagic telangiectasia syndrome. Identifiers: Orphanet 774, MedGen C0039445, MONDO:0019180. Disease mechanism: loss of function.

Allele frequency attached by ClinVar (database versions not stated): gnomAD exomes below 0.00001; ExAC 0.00001; gnomAD 0.00001; TOPMed 0.00001.
gnomAD v4.1: 4 of 1,614,040 alleles (0.00025%); highest among the groups gnomAD compares: African/African-American, 0.0027%; no homozygotes.

Submissions (2):

Ambry Genetics
Classification: Uncertain significance for Cardiovascular phenotype. Last evaluated: 2026-07-20. Review status: criteria provided, single submitter. Criteria: Ambry Variant Classification Scheme 2023. Collection method: clinical testing. Allele origin: germline.
Comment: The p.T90I variant (also known as c.269C>T), located in coding exon 3 of the ENG gene, results from a C to T substitution at nucleotide position 269. The threonine at codon 90 is replaced by isoleucine, an amino acid with similar properties. This amino acid position is conserved. In addition, this alteration is predicted to be tolerated by in silico analysis. Based on the available evidence, the clinical significance of this variant remains unclear.

Labcorp Genetics (formerly Invitae), Labcorp
Classification: Benign for Hereditary hemorrhagic telangiectasia. Last evaluated: 2022-01-27. Review status: criteria provided, single submitter. Criteria: Invitae Variant Classification Sherloc (09022015). Collection method: clinical testing. Allele origin: germline.

NM_001114753.3(ENG):c.269C>T (p.Thr90Ile)

Gene: ENG (endoglin; minus strand). Cytogenetic location: 9q34.11.
Variant type: single nucleotide variant.
Coding change: c.269C>T on transcript NM_001114753.3 (MANE Select); coding-DNA position 269, C replaced by T.
Protein change: p.Thr90Ile; replaces threonine 90 with isoleucine.
Molecular consequence: missense variant. On other transcripts: 5 prime UTR variant (1).
Genome position (GRCh38, 1-based): chr9:127,829,778, G>A on the plus strand (C>T on the coding strand, the complement: ENG is on the minus strand). VCF-style: chr9-127829778-G-A. GRCh37 (hg19) VCF-style: chr9-130592057-G-A.
Other names: c.269C>T, p.Thr90Ile (NM_000118.4, NM_001406715.1); c.-278C>T (NM_001278138.2); c.269C>T (NM_001114753.1); short protein forms T90I.
Identifiers: ClinVar variation 2196258 (VCV002196258.5), dbSNP rs759138968, ClinGen allele CA5253174.
Genomic context (GRCh38, chr9:127,829,778, plus strand): 5'-TGGAGATGCAGGAAGACACTGCTGTTTACACTGAGGACCAGAAGCACCTCTCGGGGCCAG[G>A]TGCCATTTTGCTTGGATGCCTGGAGAGTCAGCTCCAGCTGTGACGGGCCCTGGGGGACAC-3'
Protein context (NP_001108225.1, residues 80-100): LTLQASKQNG[Thr90Ile]WPREVLLVLS